The following is an entry in ClinVar:

ClinVar aggregate classification (germline): Uncertain significance (1 of 4 stars; one submission).

Allele frequency attached by ClinVar (database versions not stated): gnomAD exomes 0.00001; ExAC 0.00002; 1000 Genomes Project 0.00020; 1000 Genomes Project 30x 0.00031.
gnomAD v4.1: 9 of 1,599,778 alleles (0.00056%); highest among the groups gnomAD compares: South Asian, 0.0023%; no homozygotes.

Submission:

Labcorp Genetics (formerly Invitae), Labcorp
Classification: Uncertain significance. Last evaluated: 2022-06-13. Review status: criteria provided, single submitter. Criteria: Invitae Variant Classification Sherloc (09022015). Collection method: clinical testing. Allele origin: germline.
Comment: This sequence change replaces isoleucine, which is neutral and non-polar, with threonine, which is neutral and polar, at codon 38 of the PYROXD1 protein (p.Ile38Thr). This variant is present in population databases (rs199611472, gnomAD 0.003%). This variant has not been reported in the literature in individuals affected with PYROXD1-related conditions. Algorithms developed to predict the effect of missense changes on protein structure and function are either unavailable or do not agree on the potential impact of this missense change (SIFT: "Deleterious"; PolyPhen-2: "Possibly Damaging"; Align-GVGD: "Class C0"). In summary, the available evidence is currently insufficient to determine the role of this variant in disease. Therefore, it has been classified as a Variant of Uncertain Significance.

NM_024854.5(PYROXD1):c.113T>C (p.Ile38Thr)

Gene: PYROXD1 (pyridine nucleotide-disulphide oxidoreductase domain 1; plus strand). Cytogenetic location: 12p12.1.
Variant type: single nucleotide variant.
Coding change: c.113T>C on transcript NM_024854.5 (MANE Select); coding-DNA position 113, T replaced by C.
Protein change: p.Ile38Thr; replaces isoleucine 38 with threonine.
Molecular consequence: missense variant. On other transcripts: 5 prime UTR variant (2).
Genome position (GRCh38, 1-based): chr12:21,440,396, T>C. VCF-style: chr12-21440396-T-C. GRCh37 (hg19) VCF-style: chr12-21593330-T-C.
Other names: c.-101T>C (NM_001350912.2); c.-591T>C (NM_001350913.2); short protein forms I38T.
Identifiers: ClinVar variation 1355326 (VCV001355326.3), dbSNP rs199611472, ClinGen allele CA6478102.